The following is an entry in ClinVar:

ClinVar aggregate classification (germline): Pathogenic (1 of 4 stars; one submission).

Conditions:
Wilson disease (WND). Also called: Wilson's disease. Identifiers: Orphanet 905, MedGen C0019202, MONDO:0010200, OMIM 277900. Disease mechanism: loss of function.

Submission:

Labcorp Genetics (formerly Invitae), Labcorp
Classification: Pathogenic for Wilson disease. Last evaluated: 2023-03-22. Review status: criteria provided, single submitter. Criteria: Invitae Variant Classification Sherloc (09022015). Collection method: clinical testing. Allele origin: germline.
Comment: For these reasons, this variant has been classified as Pathogenic. This variant has not been reported in the literature in individuals affected with ATP7B-related conditions. This variant is not present in population databases (gnomAD no frequency). This sequence change creates a premature translational stop signal (p.Cys1100Alafs*22) in the ATP7B gene. It is expected to result in an absent or disrupted protein product. Loss-of-function variants in ATP7B are known to be pathogenic (PMID: 10441329, 16283883).

Literature cited by the submitters: PubMed 10441329; PubMed 16283883.

NM_000053.4(ATP7B):c.3295_3296dup (p.Cys1100fs)

Gene: ATP7B (ATPase copper transporting beta; minus strand). Cytogenetic location: 13q14.3.
Variant type: Duplication.
Coding change: c.3295_3296dup on transcript NM_000053.4 (MANE Select); coding-DNA positions 3295 to 3296, 2 bases duplicated (GG; older notation c.3295_3296dupGG).
Protein change: p.Cys1100fs; shifts the reading frame from cysteine 1100.
Molecular consequence: frameshift variant.
Genome position (GRCh38, 1-based): chr13:51,942,502-51,942,503, CC duplicated on the plus strand (GG on the coding strand, the reverse complement: ATP7B is on the minus strand). VCF-style (leftmost placement, unchanged base first): chr13-51942501-G-GCC. GRCh37 (hg19) VCF-style: chr13-52516637-G-GCC.
Other names: c.2674_2675dup, p.Cys893fs (NM_001005918.3); c.2962_2963dup, p.Cys989fs (NM_001243182.2); c.3061_3062dup, p.Cys1022fs (NM_001330578.2, NM_001406527.1, NM_001406528.1 and 1 more transcripts); c.3043_3044dup, p.Cys1016fs (NM_001330579.2, NM_001406531.1, NM_001406532.1); c.3295_3296dup, p.Cys1100fs (NM_001406511.1, NM_001406512.1, NM_001406526.1); c.3289_3290dup, p.Cys1098fs (NM_001406513.1); c.3199_3200dup, p.Cys1068fs (NM_001406517.1, NM_001406518.1); c.3160_3161dup, p.Cys1055fs (NM_001406519.1); and 19 more; short protein forms C1020fs, C1041fs, C1052fs, C1089fs, C1098fs, C670fs, C893fs, C987fs.
Identifiers: ClinVar variation 2848504 (VCV002848504.3), dbSNP rs2547613029, ClinGen allele CA2739277653.
Genomic context (GRCh38, chr13:51,942,501, plus strand): 5'-AGGGCGCTCACTGTGGGCCAGGATGCCTTCCACGTTGCTGACTTTGCACCCAATTCCACA[G>GCC]CCTGGCACTGCCTGGAAGTCCGTGCAGTATCCCAAGGTCTCTGTTCCAAGTTCCTGGGAA-3'